The following is an entry in ClinVar:

NM_001205293.3(CACNA1E):c.6248G>A (p.Arg2083Gln)

Gene: CACNA1E (calcium voltage-gated channel subunit alpha1 E; plus strand). Cytogenetic location: 1q25.3.
Variant type: single nucleotide variant.
Coding change: c.6248G>A on transcript NM_001205293.3 (MANE Select); coding-DNA position 6248, G replaced by A.
Protein change: p.Arg2083Gln; replaces arginine 2083 with glutamine.
Molecular consequence: missense variant.
Genome position (GRCh38, 1-based): chr1:181,796,707, G>A. VCF-style: chr1-181796707-G-A. GRCh37 (hg19) VCF-style: chr1-181765843-G-A.
Other names: p.Arg2083Gln; c.6119G>A, p.Arg2040Gln (NM_000721.4); c.6062G>A, p.Arg2021Gln (NM_001205294.2); short protein forms R2021Q, R2040Q, R2083Q.
Identifiers: ClinVar variation 1342125 (VCV001342125.6), dbSNP rs758936777, ClinGen allele CA1276366.

ClinVar aggregate classification (germline): Uncertain significance. Review status: criteria provided, multiple submitters, no conflicts (2 of 4 stars). 4 submissions from 4 submitters: Uncertain significance (4). Last evaluated 2025-02-20.

Conditions:
Developmental and epileptic encephalopathy, 69. Also called: EPILEPTIC ENCEPHALOPATHY, EARLY INFANTILE, 69. Identifiers: MedGen C4748988, MONDO:0032657, OMIM 618285.

Allele frequency attached by ClinVar (database versions not stated): gnomAD exomes below 0.00001; ExAC 0.00001.
gnomAD v4.1: 6 of 1,611,092 alleles (0.00037%); highest among the groups gnomAD compares: East Asian, 0.0022%; no homozygotes.

Submissions (4):

Labcorp Genetics (formerly Invitae), Labcorp
Classification: Uncertain significance. Last evaluated: 2025-02-20. Review status: criteria provided, single submitter. Criteria: Invitae Variant Classification Sherloc (09022015). Collection method: clinical testing. Allele origin: germline.
Comment: This sequence change replaces arginine, which is basic and polar, with glutamine, which is neutral and polar, at codon 2040 of the CACNA1E protein (p.Arg2040Gln). This variant is present in population databases (rs758936777, gnomAD 0.0009%). This variant has not been reported in the literature in individuals affected with CACNA1E-related conditions. ClinVar contains an entry for this variant (Variation ID: 1342125). Invitae Evidence Modeling of protein sequence and biophysical properties (such as structural, functional, and spatial information, amino acid conservation, physicochemical variation, residue mobility, and thermodynamic stability) indicates that this missense variant is not expected to disrupt CACNA1E protein function with a negative predictive value of 95%. In summary, the available evidence is currently insufficient to determine the role of this variant in disease. Therefore, it has been classified as a Variant of Uncertain Significance.

Genome-Nilou Lab
Classification: Uncertain significance for Developmental and epileptic encephalopathy, 69. Last evaluated: 2023-04-11. Review status: criteria provided, single submitter. Criteria: ACMG Guidelines, 2015. Collection method: clinical testing. Allele origin: germline. Affected: no.

Fulgent Genetics
Classification: Uncertain significance for Developmental and epileptic encephalopathy, 69. Last evaluated: 2021-10-19. Review status: criteria provided, single submitter. Criteria: ACMG Guidelines, 2015. Collection method: clinical testing. Allele origin: unknown.

Foundation for Research in Genetics and Endocrinology, FRIGE's Institute of Human Genetics
Classification: Uncertain significance for Developmental and epileptic encephalopathy, 69. Last evaluated: 2021-10-01. Review status: criteria provided, single submitter. Criteria: ACMG Guidelines, 2015. Collection method: clinical testing. Allele origin: germline. Inheritance: Autosomal dominant inheritance. Affected: yes. Observed: 1 heterozygote.
Comment: A heterozygous missense variation in exon 47 of the CACNA1E gene that results in the amino acid substitution of Glutamine for Arginine at codon 2083 was detected. The observed variant c.6248G>A(p.Arg2083Gln) has not been reported in the 1000 genomes and gnomAD databases. The in silico predictions of the variant are probably damaging by PolyPhen-2(HumDiv) and damaging by SIFT and MutationTaster2. The reference codon is conserved across species. In summary, the variant meets our criteria to be classified as a variant of uncertain significance.